The following is an entry in ClinVar:

NM_017514.5(PLXNA3):c.1714G>A (p.Val572Met)

Gene: PLXNA3 (plexin A3; plus strand). Cytogenetic location: Xq28.
Variant type: single nucleotide variant.
Coding change: c.1714G>A on transcript NM_017514.5 (MANE Select); coding-DNA position 1714, G replaced by A.
Protein change: p.Val572Met; replaces valine 572 with methionine.
Molecular consequence: missense variant.
Genome position (GRCh38, 1-based): chrX:154,464,199, G>A. VCF-style: chrX-154464199-G-A. GRCh37 (hg19) VCF-style: chrX-153692542-G-A.
Other names: short protein forms V572M.
Identifiers: ClinVar variation 4988380 (VCV004988380.1).
Genomic context (GRCh38, chrX:154,464,199, plus strand): 5'-GCCCTCTGCTTCCCCCAGCTGACCGTCACCCTGCACAACGTGCCAGACCTCAGTGCGGGC[G>A]TGAGCTGCGCCTTCGAGGCGGCGGCGGAGAACGAGGCGGTCCTGCTGCCCTCCGGTGAAC-3'
Protein context (NP_059984.3, residues 562-582): LHNVPDLSAG[Val572Met]SCAFEAAAEN

ClinVar aggregate classification (germline): Uncertain significance (1 of 4 stars; one submission).

Conditions:
PLXNA3-related disorder. Also called: PLXNA3-related condition.

gnomAD v4.1: 9 of 1,208,353 alleles (0.00074%); highest among the groups gnomAD compares: Admixed American, 0.0022%; no homozygotes.

Submission:

PreventionGenetics, part of Exact Sciences
Classification: Uncertain significance for PLXNA3-related condition. Last evaluated: 2026-08-11. Review status: criteria provided, single submitter. Criteria: ACMG Guidelines, 2015. Collection method: clinical testing. Allele origin: germline.
Comment: The PLXNA3 c.1714G>A variant is predicted to result in the amino acid substitution p.Val572Met. To our knowledge, this variant has not been reported in the literature. This variant is reported in 0.0055% of alleles in individuals of South Asian descent in gnomAD. At this time, the clinical significance of this variant is uncertain due to the absence of conclusive functional and genetic evidence.